The following is an entry in ClinVar:

NM_001042492.3(NF1):c.3493A>G (p.Ile1165Val)

Gene: NF1 (neurofibromin 1; plus strand). Cytogenetic location: 17q11.2.
Variant type: single nucleotide variant.
Coding change: c.3493A>G on transcript NM_001042492.3 (MANE Select); coding-DNA position 3493, A replaced by G.
Protein change: p.Ile1165Val; replaces isoleucine 1165 with valine.
Molecular consequence: missense variant.
Genome position (GRCh38, 1-based): chr17:31,232,878, A>G. VCF-style: chr17-31232878-A-G. GRCh37 (hg19) VCF-style: chr17-29559896-A-G.
Other names: c.3493A>G, p.Ile1165Val (NM_000267.4); short protein forms I1165V.
Identifiers: ClinVar variation 4800751 (VCV004800751.1).

ClinVar aggregate classification (germline): Uncertain significance (1 of 4 stars; one submission).

Conditions:
Neurofibromatosis, type 1 (NF1). Also called: VON RECKLINGHAUSEN DISEASE; Neurofibromatosis, type I; NEUROFIBROMATOSIS, TYPE I, SOMATIC; Peripheral type neurofibromatosis. Identifiers: Orphanet 636, MedGen C0027831, MONDO:0018975, OMIM 162200. Disease mechanism: loss of function.

Submission:

Labcorp Genetics (formerly Invitae), Labcorp
Classification: Uncertain significance for Neurofibromatosis, type 1. Last evaluated: 2025-07-13. Review status: criteria provided, single submitter. Criteria: Invitae Variant Classification Sherloc (09022015). Collection method: clinical testing. Allele origin: germline.
Comment: This sequence change replaces isoleucine, which is neutral and non-polar, with valine, which is neutral and non-polar, at codon 1165 of the NF1 protein (p.Ile1165Val). This variant is not present in population databases (gnomAD no frequency). This variant has not been reported in the literature in individuals affected with NF1-related conditions. Invitae Evidence Modeling of protein sequence and biophysical properties (such as structural, functional, and spatial information, amino acid conservation, physicochemical variation, residue mobility, and thermodynamic stability) has been performed for this missense variant. However, the output from this modeling did not meet the statistical confidence thresholds required to predict the impact of this variant on NF1 protein function. This variant disrupts the p.Ile1165 amino acid residue in NF1. Other variant(s) that disrupt this residue have been determined to be pathogenic (PMID: 30530636; internal data). This suggests that this residue is clinically significant, and that variants that disrupt this residue are likely to be disease-causing. In summary, the available evidence is currently insufficient to determine the role of this variant in disease. Therefore, it has been classified as a Variant of Uncertain Significance.

Literature cited by the submitters: PubMed 30530636.